The following is an entry in ClinVar:

NM_001621.5(AHR):c.1076G>A (p.Arg359Gln)

Gene: AHR (aryl hydrocarbon receptor; plus strand). Cytogenetic location: 7p21.1.
Variant type: single nucleotide variant.
Coding change: c.1076G>A on transcript NM_001621.5 (MANE Select); coding-DNA position 1076, G replaced by A.
Protein change: p.Arg359Gln; replaces arginine 359 with glutamine.
Molecular consequence: missense variant.
Genome position (GRCh38, 1-based): chr7:17,335,702, G>A. VCF-style: chr7-17335702-G-A. GRCh37 (hg19) VCF-style: chr7-17375326-G-A.
Other names: short protein forms R359Q.
Identifiers: ClinVar variation 863109 (VCV000863109.5), dbSNP rs146411430, ClinGen allele CA4172012.

ClinVar aggregate classification (germline): Uncertain significance (1 of 4 stars; one submission).

Allele frequency attached by ClinVar (database versions not stated): gnomAD exomes 0.00010 and 0.00033; 1000 Genomes Project 30x 0.00016; gnomAD 0.00018 and 0.00019; ExAC 0.00019; 1000 Genomes Project 0.00020; TOPMed 0.00020; ESP Exome Variant Server 0.00031.
gnomAD v4.1: 494 of 1,608,210 alleles (0.031%); highest among the groups gnomAD compares: Non-Finnish European, 0.04%; no homozygotes.

Submission:

Labcorp Genetics (formerly Invitae), Labcorp
Classification: Uncertain significance. Last evaluated: 2022-07-19. Review status: criteria provided, single submitter. Criteria: Invitae Variant Classification Sherloc (09022015). Collection method: clinical testing. Allele origin: germline.
Comment: This sequence change replaces arginine, which is basic and polar, with glutamine, which is neutral and polar, at codon 359 of the AHR protein (p.Arg359Gln). This variant is present in population databases (rs146411430, gnomAD 0.02%). This variant has not been reported in the literature in individuals affected with AHR-related conditions. ClinVar contains an entry for this variant (Variation ID: 863109). Algorithms developed to predict the effect of missense changes on protein structure and function (SIFT, PolyPhen-2, Align-GVGD) all suggest that this variant is likely to be tolerated. In summary, the available evidence is currently insufficient to determine the role of this variant in disease. Therefore, it has been classified as a Variant of Uncertain Significance.